The following is an entry in ClinVar:

NM_000484.4(APP):c.2149G>A (p.Val717Ile)

Gene: APP (amyloid beta precursor protein; minus strand). Cytogenetic location: 21q21.3.
Variant type: single nucleotide variant.
Coding change: c.2149G>A on transcript NM_000484.4 (MANE Select); coding-DNA position 2149, G replaced by A.
Protein change: p.Val717Ile; replaces valine 717 with isoleucine.
Molecular consequence: missense variant.
Genome position (GRCh38, 1-based): chr21:25,891,784, C>T on the plus strand (G>A on the coding strand, the complement: APP is on the minus strand). VCF-style: chr21-25891784-C-T. GRCh37 (hg19) VCF-style: chr21-27264096-C-T.
Other names: c.2077G>A, p.Val693Ile (NM_001136016.3); c.1756G>A, p.Val586Ile (NM_001136129.3); c.1981G>A, p.Val661Ile (NM_001136130.3, NM_001385253.1); c.1819G>A, p.Val607Ile (NM_001136131.3); c.2095G>A, p.Val699Ile (NM_001204301.2); c.2038G>A, p.Val680Ile (NM_001204302.2); c.1870G>A, p.Val624Ile (NM_001204303.2); c.2092G>A, p.Val698Ile (NM_201413.3); and 1 more; short protein forms V717I, V607I, V624I, V661I, V642I, V680I, V693I, V698I.
Identifiers: ClinVar variation 18088 (VCV000018088.62), dbSNP rs63750264, ClinGen allele CA127791.

ClinVar aggregate classification (germline): Pathogenic. Review status: criteria provided, multiple submitters, no conflicts (2 of 4 stars). 12 submissions from 12 submitters: Pathogenic (9). 3 of the submissions do not count toward it. Last evaluated 2025-11-28.

Conditions:
APP-related disorder. Also called: APP-related condition.
Cerebral amyloid angiopathy, APP-related. Also called: AMYLOIDOSIS, CEREBROARTERIAL, APP-RELATED; Cerebral amyloid angiopathy, Dutch, Italian, Iowa, Flemish, Arctic variants. Identifiers: Orphanet 100006, Orphanet 324703, Orphanet 324708, Orphanet 324713, Orphanet 324718, Orphanet 324723, Orphanet 85458, MedGen C2751536, MONDO:0011583, OMIM 605714.
Alzheimer disease type 1 (AD1). Also called: ALZHEIMER DISEASE, FAMILIAL, 1; ALZHEIMER DISEASE, FAMILIAL, 1, AUTOSOMAL RECESSIVE. Identifiers: MedGen C1863052, MONDO:0007088, OMIM 104300.
Alzheimer disease. Also called: Alzheimer's disease; Presenile and senile dementia. Identifiers: Orphanet 1020, MedGen C0002395, MeSH D000544, MONDO:0004975, HP:0002511.

Allele frequency attached by ClinVar (database versions not stated): gnomAD exomes below 0.00001.
gnomAD v4.1: 2 of 1,613,870 alleles (0.00012%); highest among the groups gnomAD compares: Non-Finnish European, 0.00017%; no homozygotes.

Submissions (12):

Labcorp Genetics (formerly Invitae), Labcorp
Classification: Pathogenic for Alzheimer disease. Last evaluated: 2025-11-28. Review status: criteria provided, single submitter. Criteria: Invitae Variant Classification Sherloc (09022015). Collection method: clinical testing. Allele origin: germline.
Comment: This sequence change replaces valine, which is neutral and non-polar, with isoleucine, which is neutral and non-polar, at codon 717 of the APP protein (p.Val717Ile). This variant is not present in population databases (gnomAD no frequency). This missense change has been observed in individuals with early-onset Alzheimer's disease (EOAD) (PMID: 24650794, 25138979, 27838006). It has also been observed to segregate with disease in related individuals. ClinVar contains an entry for this variant (Variation ID: 18088). Invitae Evidence Modeling of protein sequence and biophysical properties (such as structural, functional, and spatial information, amino acid conservation, physicochemical variation, residue mobility, and thermodynamic stability) indicates that this missense variant is expected to disrupt APP protein function with a positive predictive value of 95%. Experimental studies have shown that this missense change affects APP function (PMID: 11978821, 19281847, 24524897). This variant disrupts the p.Val717 amino acid residue in APP. Other variant(s) that disrupt this residue have been determined to be pathogenic (PMID: 1925564, 15776278). This suggests that this residue is clinically significant, and that variants that disrupt this residue are likely to be disease-causing. For these reasons, this variant has been classified as Pathogenic.

Athena Diagnostics
Classification: Pathogenic. Last evaluated: 2025-09-24. Review status: criteria provided, single submitter. Criteria: Athena Diagnostics Criteria. Collection method: clinical testing. Allele origin: unknown.
Comment: This variant has not been reported in large, multi-ethnic general populations. This variant has been identified in multiple unrelated individuals with Alzheimer disease. Assessment of experimental evidence suggests this variant results in abnormal protein function. (PMID: 8191290, 8886002, 9328472, 11487570, 19281847) At least one other missense variant at this codon is considered to be pathogenic or likely pathogenic, suggesting this variant may also cause disease.

Victorian Clinical Genetics Services, Murdoch Childrens Research Institute
Classification: Pathogenic for Alzheimer disease type 1. Last evaluated: 2025-06-16. Review status: criteria provided, single submitter. Criteria: ACMG Guidelines, 2015. Collection method: clinical testing. Allele origin: germline. Affected: yes.
Comment: This variant is classified as Pathogenic. Evidence in support of pathogenic classification: Variant is present in gnomAD <0.001 for a dominant condition (v4: 2 heterozygote(s), 0 homozygote(s)). - This variant has strong previous evidence of pathogenicity in unrelated individuals. It has been reported in more than ten unrelated families with Alzheimer disease. Asymptomatic carriers were noted in some; however, their ages were not provided to be able to rule out reduced penetrance. This variant has been classified as pathogenic by multiple diagnostic laboratories in ClinVar (PMID: 24650794, 25138979, 27838006, 28350801); Variant is located in a hotspot region or cluster of pathogenic variants within the transmembrane domain (DECIPHER; PMID: 24524897); Missense variant predicted to be damaging by in silico tool(s) or highly conserved with a major amino acid change. Additional information: This variant is predicted to result in a missense amino acid change from Val to Ile; This variant is heterozygous; This gene is associated with autosomal dominant disease; Toxic gain of function is a known mechanism of disease in this gene and is associated with Alzheimer disease 1, familial (MIM#104300) (PMID: 24524897); The condition associated with this gene has incomplete penetrance. p.(Ala713Thr) has been reported to exhibit reduced penetrance (PMID: 28350801); Variants in this gene are known to have variable expressivity. Age of onset and disease progression can vary (PMIDs: 20301340, 24650794); Inheritance information for this variant is not currently available in this individual.

Blueprint Genetics
Classification: Pathogenic for APP-related disorders. Last evaluated: 2024-08-21. Review status: criteria provided, single submitter. Criteria: ACMG Guidelines, 2015. Collection method: clinical testing. Allele origin: germline. Affected: yes. Observed: 3 variant alleles.

Women's Health and Genetics/Laboratory Corporation of America, LabCorp
Classification: Pathogenic for Cerebral amyloid angiopathy, APP-related. Last evaluated: 2024-02-22. Review status: criteria provided, single submitter. Criteria: LabCorp Variant Classification Summary - May 2015. Collection method: clinical testing. Allele origin: germline.
Comment: Variant summary: APP c.2149G>A (p.Val717Ile) results in a conservative amino acid change located in the Beta-amyloid precursor protein C-terminal domain (IPR019543) of the encoded protein sequence. Three of five in-silico tools predict a damaging effect of the variant on protein function. The variant was absent in 251364 control chromosomes (gnomAD). c.2149G>A has been reported in the literature in multiple individuals affected with early-onset Alzheimer's disease (EOAD) (examples: Noroozian_2014 and Zhang_2017). These data indicate that the variant is very likely to be associated with disease. Other variant(s) that disrupt this residue have been classified pathogenic in ClinVar. The following publications have been ascertained in the context of this evaluation (PMID: 27838006, 25138979). ClinVar contains an entry for this variant (Variation ID: 18088). Based on the evidence outlined above, the variant was classified as pathogenic.

Clinical Genetics Laboratory, Skane University Hospital Lund
Classification: Pathogenic. Last evaluated: 2022-07-13. Review status: criteria provided, single submitter. Criteria: ACMG Guidelines, 2015. Collection method: clinical testing. Allele origin: germline. Affected: yes.

Fulgent Genetics
Classification: Pathogenic for Alzheimer disease type 1; Cerebral amyloid angiopathy, APP-related. Last evaluated: 2021-12-10. Review status: criteria provided, single submitter. Criteria: ACMG Guidelines, 2015. Collection method: clinical testing. Allele origin: unknown.

CeGaT Center for Human Genetics Tuebingen
Classification: Pathogenic. Last evaluated: 2017-06-01. Review status: criteria provided, single submitter. Criteria: CeGaT Center For Human Genetics Tuebingen Variant Classification Criteria Version 2. Collection method: clinical testing. Allele origin: germline. Affected: yes. Observed: 1 variant allele.

Neuberg Centre For Genomic Medicine, NCGM
Classification: Pathogenic for Alzheimer disease type 1. Review status: criteria provided, single submitter. Criteria: ACMG Guidelines, 2015. Collection method: clinical testing. Allele origin: germline. Inheritance: Autosomal dominant inheritance. Affected: yes.
Comment: The missense c.2149G>A(p.Val717Ile) variant in APP gene has been reported in heterozygous state in individuals affected with Alzheimer's disease (Jiao, Bin et al.,2014). It has also been observed to segregate with disease in related individuals. Experimental studies have shown that this missense change affects APP function (Herl, Lauren et al., 2009 ). The variant is novel (not in any individuals) in gnomAD Exomes and is novel (not in any individuals) in 1000 Genomes. It has been submitted to ClinVar as Pathogenic. The amino acid Val at position 717 is changed to a Ile changing protein sequence and it might alter its composition and physico-chemical properties. The amino acid change p.Val717Ile in APP is predicted as conserved by GERP++ and PhyloP across 100 vertebrates. For these reasons, this variant has been classified as Pathogenic.

OMIM
Classification: Pathogenic for ALZHEIMER DISEASE, FAMILIAL, 1. Last evaluated: 1996-10-23. Review status: no assertion criteria provided. Collection method: literature only. Allele origin: germline. Not counted in ClinVar's aggregate classification.

GeneReviews
No classification provided. Condition: Alzheimer disease. Review status: no classification provided. Collection method: literature only. Allele origin: unknown. Not counted in ClinVar's aggregate classification.

VIB  Department of Molecular Genetics, University of Antwerp
No classification provided. Review status: no classification provided. Collection method: not provided. Allele origin: not provided. Not counted in ClinVar's aggregate classification.

Literature cited by the submitters: PubMed 24650794 (cited by 3 submitters); PubMed 25138979 (cited by 4 submitters); PubMed 27838006 (cited by 4 submitters); PubMed 11978821 (cited by Labcorp Genetics (formerly Invitae), Labcorp); PubMed 19281847 (cited by Labcorp Genetics (formerly Invitae), Labcorp and Athena Diagnostics); PubMed 24524897 (cited by Labcorp Genetics (formerly Invitae), Labcorp and Victorian Clinical Genetics Services, Murdoch Childrens Research Institute); PubMed 1925564 (cited by Labcorp Genetics (formerly Invitae), Labcorp); PubMed 15776278 (cited by Labcorp Genetics (formerly Invitae), Labcorp); PubMed 8191290 (cited by Athena Diagnostics); PubMed 9328472 (cited by Athena Diagnostics); PubMed 11487570 (cited by Athena Diagnostics); PubMed 1678058 (cited by 3 submitters); PubMed 1303172 (cited by Athena Diagnostics); PubMed 12552037 (cited by Athena Diagnostics); PubMed 16033913 (cited by Athena Diagnostics); PubMed 20523046 (cited by Athena Diagnostics); PubMed 28350801 (cited by Athena Diagnostics and Victorian Clinical Genetics Services, Murdoch Childrens Research Institute); PubMed 39000146 (cited by Athena Diagnostics); PubMed 35752680 (cited by Athena Diagnostics); PubMed 35650585 (cited by Athena Diagnostics); PubMed 34389718 (cited by Athena Diagnostics); PubMed 8886002 (cited by Athena Diagnostics and OMIM); PubMed 20301340 (cited by Victorian Clinical Genetics Services, Murdoch Childrens Research Institute); PubMed 1671712 (cited by OMIM); PubMed 1908231 (cited by OMIM and GeneReviews); PubMed 1678057 (cited by OMIM and GeneReviews); PubMed 1679288 (cited by OMIM and GeneReviews); PubMed 1520398 (cited by OMIM); PubMed 8290965 (cited by OMIM and GeneReviews); PubMed 20301414 (cited by GeneReviews); NCBI Bookshelf NBK1236 (cited by GeneReviews).